The following is an entry in ClinVar:

ClinVar aggregate classification (germline): Uncertain significance. Review status: criteria provided, multiple submitters, no conflicts (2 of 4 stars). 2 submissions from 2 submitters: Uncertain significance (2). Last evaluated 2025-10-24.

Conditions:
Luscan-Lumish syndrome. Identifiers: Orphanet 597738, MedGen C4085873, MONDO:0014791, OMIM 616831.

Allele frequency attached by ClinVar (database versions not stated): TOPMed below 0.00001.

Submissions (2):

Dasa
Classification: Uncertain significance. Last evaluated: 2025-10-24. Review status: criteria provided, single submitter. Criteria: DASA Assertion Criteria. Collection method: clinical testing. Allele origin: germline.
Comment: NM_014159.7(SETD2):c.6737G>C (p.Gly2246Ala) is a missense variant that results in the substitution of glycine with alanine. This variant is rare in population databases. Computational prediction algorithms are consistent with a benign effect. The currently available literature and clinical evidence are not sufficient to establish a definitive association between this variant and the reported condition. Therefore, this variant is classified as a variant of uncertain significance.

Labcorp Genetics (formerly Invitae), Labcorp
Classification: Uncertain significance for Luscan-Lumish syndrome. Last evaluated: 2018-08-01. Review status: criteria provided, single submitter. Criteria: Invitae Variant Classification Sherloc (09022015). Collection method: clinical testing. Allele origin: germline.
Comment: This variant is not present in population databases (ExAC no frequency). This sequence change replaces glycine with alanine at codon 2246 of the SETD2 protein (p.Gly2246Ala). The glycine residue is weakly conserved and there is a small physicochemical difference between glycine and alanine. This variant has not been reported in the literature in individuals with SETD2-related disease. In summary, the available evidence is currently insufficient to determine the role of this variant in disease. Therefore, it has been classified as a Variant of Uncertain Significance. Algorithms developed to predict the effect of missense changes on protein structure and function output the following: SIFT: "Tolerated"; PolyPhen-2: "Benign"; Align-GVGD: "Class C0". The alanine amino acid residue is found in multiple mammalian species, suggesting that this missense change does not adversely affect protein function. These predictions have not been confirmed by published functional studies and their clinical significance is uncertain.

NM_014159.7(SETD2):c.6737G>C (p.Gly2246Ala)

Gene: SETD2 (SET domain containing 2, histone lysine methyltransferase; minus strand). Cytogenetic location: 3p21.31.
Variant type: single nucleotide variant.
Coding change: c.6737G>C on transcript NM_014159.7 (MANE Select); coding-DNA position 6737, G replaced by C.
Protein change: p.Gly2246Ala; replaces glycine 2246 with alanine.
Molecular consequence: missense variant. On other transcripts: non-coding transcript variant (1).
Genome position (GRCh38, 1-based): chr3:47,057,047, C>G on the plus strand (G>C on the coding strand, the complement: SETD2 is on the minus strand). VCF-style: chr3-47057047-C-G. GRCh37 (hg19) VCF-style: chr3-47098537-C-G.
Other names: c.6605G>C, p.Gly2202Ala (NM_001349370.3); short protein forms G2202A, G2246A.
Identifiers: ClinVar variation 648560 (VCV000648560.7), dbSNP rs1575700909, ClinGen allele CA352520025.